The following is an entry in ClinVar:

ClinVar aggregate classification (germline): Conflicting classifications of pathogenicity. Review status: criteria provided, conflicting classifications (1 of 4 stars). 4 submissions from 4 submitters: Pathogenic (1); Uncertain significance (2); Likely benign (1). Last evaluated 2026-06-08.

Conditions:
Nephrotic syndrome, type 9 (NPHS9). Identifiers: Orphanet 656, MedGen C3809965, MONDO:0014257, OMIM 615573.

Allele frequency attached by ClinVar (database versions not stated): gnomAD exomes 0.00001 and 0.00003; ExAC 0.00004; TOPMed 0.00007; gnomAD 0.00008 and 0.00009; ESP Exome Variant Server 0.00023.
gnomAD v4.1: 30 of 1,613,364 alleles (0.0019%); highest among the groups gnomAD compares: African/African-American, 0.035%; no homozygotes.

Submissions (4):

Laboratory of Molecular Genetics, CHU Rennes
Classification: Pathogenic for Nephrotic syndrome, type 9. Last evaluated: 2026-06-08. Review status: criteria provided, single submitter. Criteria: ACMG Guidelines, 2015. Collection method: clinical testing. Allele origin: unknown. Inheritance: Autosomal recessive inheritance. Affected: yes.
Comment: The NM_024876.4:c.1035+3A>G leads to exon 11 skipping. This skipping creates a frameshift and results in a premature stop codon (p.Glu299PhefsX6). The encoded protein is truncated and loses a great region of the ABC1 functional domain. In trans with another pathogenic variant.

Labcorp Genetics (formerly Invitae), Labcorp
Classification: Uncertain significance. Last evaluated: 2022-07-01. Review status: criteria provided, single submitter. Criteria: Invitae Variant Classification Sherloc (09022015). Collection method: clinical testing. Allele origin: germline.
Comment: This variant is present in population databases (rs368182892, gnomAD 0.04%). In summary, the available evidence is currently insufficient to determine the role of this variant in disease. Therefore, it has been classified as a Variant of Uncertain Significance. Variants that disrupt the consensus splice site are a relatively common cause of aberrant splicing (PMID: 17576681, 9536098). Algorithms developed to predict the effect of sequence changes on RNA splicing suggest that this variant is not likely to affect RNA splicing. ClinVar contains an entry for this variant (Variation ID: 1077024). This variant has not been reported in the literature in individuals affected with COQ8B-related conditions. This sequence change falls in intron 11 of the COQ8B gene. It does not directly change the encoded amino acid sequence of the COQ8B protein. It affects a nucleotide within the consensus splice site.

GeneDx
Classification: Likely benign. Last evaluated: 2020-04-10. Review status: criteria provided, single submitter. Criteria: GeneDx Variant Classification Process June 2021. Collection method: clinical testing. Allele origin: germline. Affected: yes.
Comment: See Variant Classification Assertion Criteria.

Precision Medicine Center, Zhengzhou University
Classification: Uncertain significance for Nephrotic syndrome, type 9. Review status: criteria provided, single submitter. Criteria: ACMG Guidelines, 2015. Collection method: research. Allele origin: germline. Affected: yes.
Comment: PM2:not found in gnomAD BP4:Multiple lines of computational evidence suggest no impact

Literature cited by the submitters: PubMed 17576681 (cited by Labcorp Genetics (formerly Invitae), Labcorp); PubMed 9536098 (cited by Labcorp Genetics (formerly Invitae), Labcorp).

NM_024876.4(COQ8B):c.1035+3A>G

Gene: COQ8B (coenzyme Q8B; minus strand). Cytogenetic location: 19q13.2.
Variant type: single nucleotide variant.
Coding change: c.1035+3A>G on transcript NM_024876.4 (MANE Select); 3 bases into the intron after coding-DNA position 1035, A replaced by G.
Molecular consequence: intron variant.
Genome position (GRCh38, 1-based): chr19:40,700,307, T>C on the plus strand (A>G on the coding strand, the complement: COQ8B is on the minus strand). VCF-style: chr19-40700307-T-C. GRCh37 (hg19) VCF-style: chr19-41206212-T-C.
Other names: c.912+3A>G (NM_001142555.3).
Identifiers: ClinVar variation 1077024 (VCV001077024.6), dbSNP rs368182892, ClinGen allele CA9450192.